The following is an entry in ClinVar:

NM_005529.7(HSPG2):c.12395G>A (p.Arg4132Gln)

Gene: HSPG2 (heparan sulfate proteoglycan 2; minus strand). Cytogenetic location: 1p36.12.
Variant type: single nucleotide variant.
Coding change: c.12395G>A on transcript NM_005529.7 (MANE Select); coding-DNA position 12395, G replaced by A.
Protein change: p.Arg4132Gln; replaces arginine 4132 with glutamine.
Molecular consequence: missense variant.
Genome position (GRCh38, 1-based): chr1:21,828,269, C>T on the plus strand (G>A on the coding strand, the complement: HSPG2 is on the minus strand). VCF-style: chr1-21828269-C-T. GRCh37 (hg19) VCF-style: chr1-22154762-C-T.
Other names: c.12398G>A, p.Arg4133Gln (NM_001291860.2); c.12395G>A (NM_005529.5); short protein forms R4132Q, R4133Q.
Identifiers: ClinVar variation 1471176 (VCV001471176.10), dbSNP rs770563957, ClinGen allele CA669449.

ClinVar aggregate classification (germline): Conflicting classifications of pathogenicity. Review status: criteria provided, conflicting classifications (1 of 4 stars). 3 submissions from 3 submitters: Uncertain significance (2); Likely benign (1). Last evaluated 2025-09-25.

Conditions:
Inborn genetic diseases. Identifiers: MedGen C0950123, MeSH D030342.

Allele frequency attached by ClinVar (database versions not stated): gnomAD 0.00002; TOPMed 0.00001.
gnomAD v4.1: 51 of 1,613,544 alleles (0.0032%); highest among the groups gnomAD compares: East Asian, 0.013%; no homozygotes.

Submissions (3):

Ambry Genetics
Classification: Likely benign for Inborn genetic diseases. Last evaluated: 2025-09-25. Review status: criteria provided, single submitter. Criteria: Ambry Variant Classification Scheme 2023. Collection method: clinical testing. Allele origin: germline.

Labcorp Genetics (formerly Invitae), Labcorp
Classification: Uncertain significance. Last evaluated: 2021-06-19. Review status: criteria provided, single submitter. Criteria: Invitae Variant Classification Sherloc (09022015). Collection method: clinical testing. Allele origin: germline.
Comment: In summary, the available evidence is currently insufficient to determine the role of this variant in disease. Therefore, it has been classified as a Variant of Uncertain Significance. Algorithms developed to predict the effect of missense changes on protein structure and function output the following: SIFT: "Tolerated"; PolyPhen-2: "Benign"; Align-GVGD: "Class C0". The glutamine amino acid residue is found in multiple mammalian species, suggesting that this missense change does not adversely affect protein function. These predictions have not been confirmed by published functional studies and their clinical significance is uncertain. This variant has not been reported in the literature in individuals with HSPG2-related conditions. This variant is present in population databases (rs770563957, ExAC 0.008%). This sequence change replaces arginine with glutamine at codon 4132 of the HSPG2 protein (p.Arg4132Gln). The arginine residue is weakly conserved and there is a small physicochemical difference between arginine and glutamine.

Revvity Omics, Revvity
Classification: Uncertain significance. Last evaluated: 2019-10-18. Review status: criteria provided, single submitter. Criteria: ACMG Guidelines, 2015. Collection method: clinical testing. Allele origin: germline.